The following is an entry in ClinVar:

NM_005413.4(SIX3):c.439G>T (p.Asp147Tyr)

Gene: SIX3 (SIX homeobox 3; plus strand). Cytogenetic location: 2p21.
Variant type: single nucleotide variant.
Coding change: c.439G>T on transcript NM_005413.4 (MANE Select); coding-DNA position 439, G replaced by T.
Protein change: p.Asp147Tyr; replaces aspartic acid 147 with tyrosine.
Molecular consequence: missense variant.
Genome position (GRCh38, 1-based): chr2:44,942,543, G>T. VCF-style: chr2-44942543-G-T. GRCh37 (hg19) VCF-style: chr2-45169682-G-T.
Other names: short protein forms D147Y.
Identifiers: ClinVar variation 4529826 (VCV004529826.1).

ClinVar aggregate classification (germline): Uncertain significance (1 of 4 stars; one submission).

Submission:

GeneDx
Classification: Uncertain significance. Last evaluated: 2025-05-07. Review status: criteria provided, single submitter. Criteria: GeneDx Variant Classification Process June 2021. Collection method: clinical testing. Allele origin: germline. Affected: yes.
Comment: Not observed at significant frequency in large population cohorts (gnomAD); In silico analysis supports that this missense variant has a deleterious effect on protein structure/function; Has not been previously published as pathogenic or benign to our knowledge